The following is an entry in ClinVar:

NM_000059.4(BRCA2):c.2160T>C (p.Asp720=)

Gene: BRCA2 (BRCA2 DNA repair associated; plus strand). Cytogenetic location: 13q13.1.
Variant type: single nucleotide variant.
Coding change: c.2160T>C on transcript NM_000059.4 (MANE Select); coding-DNA position 2160, T replaced by C.
Protein change: p.Asp720=; no amino-acid change (aspartic acid 720 retained).
Molecular consequence: synonymous variant.
Genome position (GRCh38, 1-based): chr13:32,336,515, T>C. VCF-style: chr13-32336515-T-C. GRCh37 (hg19) VCF-style: chr13-32910652-T-C.
Identifiers: ClinVar variation 233331 (VCV000233331.15), dbSNP rs876660339, ClinGen allele CA10579526.
Genomic context (GRCh38, chr13:32,336,515, plus strand): 5'-ATTTATTACCCCAGAAGCTGATTCTCTGTCATGCCTGCAGGAAGGACAGTGTGAAAATGA[T>C]CCAAAAAGCAAAAAAGTTTCAGATATAAAAGAAGAGGTCTTGGCTGCAGCATGTCACCCA-3'
Protein context (NP_000050.3, residues 710-730): SCLQEGQCEN[Asp720=]PKSKKVSDIK

ClinVar aggregate classification (germline): Likely benign. Review status: reviewed by expert panel (3 of 4 stars). 5 submissions from 5 submitters: Likely benign (1). 4 of the submissions do not count toward it. Last evaluated 2017-06-29.

Conditions:
Hereditary cancer-predisposing syndrome. Also called: Tumor predisposition; Hereditary Cancer Syndrome; Hereditary neoplastic syndrome; Neoplastic Syndromes, Hereditary. Identifiers: Orphanet 140162, MedGen C0027672, MeSH D009386, MONDO:0015356.
Hereditary breast ovarian cancer syndrome. Also called: Hereditary breast and ovarian cancer; Breast and ovarian cancer; BRCA1- and BRCA2-Associated Hereditary Breast and Ovarian Cancer; Hereditary breast and ovarian cancer syndrome; Hereditary breast and ovarian cancer syndrome (HBOC); Hereditary breast and/or ovarian cancer syndrome. Identifiers: Orphanet 145, MedGen C0677776, MeSH D061325, MONDO:0003582. Disease mechanism: loss of function.
Breast-ovarian cancer, familial, susceptibility to, 2 (BROVCA2). Also called: BRCA2 Hereditary Breast and Ovarian Cancer. Identifiers: Orphanet 145, MedGen C2675520, MONDO:0012933, OMIM 612555. Disease mechanism: loss of function.

Submissions (5):

Evidence-based Network for the Interpretation of Germline Mutant Alleles (ENIGMA)
Classification: Likely benign for Breast-ovarian cancer, familial, susceptibility to, 2. Last evaluated: 2017-06-29. Review status: reviewed by expert panel. Criteria: ENIGMA BRCA1/2 Classification Criteria (2017-06-29). Collection method: curation. Allele origin: germline.
Comment: Synonymous substitution variant, with low bioinformatic likelihood to result in a splicing aberration (Splicing prior probability 0.02).

Labcorp Genetics (formerly Invitae), Labcorp
Classification: Likely benign for Hereditary breast ovarian cancer syndrome. Last evaluated: 2025-06-30. Review status: criteria provided, single submitter. Criteria: Invitae Variant Classification Sherloc (09022015). Collection method: clinical testing. Allele origin: germline. Not counted in ClinVar's aggregate classification.

PreventionGenetics, part of Exact Sciences
Classification: Likely benign. Last evaluated: 2017-08-15. Review status: criteria provided, single submitter. Criteria: ACMG Guidelines, 2015. Collection method: clinical testing. Allele origin: germline. Not counted in ClinVar's aggregate classification.

GeneDx
Classification: Likely benign. Last evaluated: 2016-06-06. Review status: criteria provided, single submitter. Criteria: GeneDx Variant Classification (06012015). Collection method: clinical testing. Allele origin: germline. Affected: yes. Not counted in ClinVar's aggregate classification.
Comment: This variant is considered likely benign or benign based on one or more of the following criteria: it is a conservative change, it occurs at a poorly conserved position in the protein, it is predicted to be benign by multiple in silico algorithms, and/or has population frequency not consistent with disease.

Ambry Genetics
Classification: Likely benign for Hereditary cancer-predisposing syndrome. Last evaluated: 2016-05-19. Review status: criteria provided, single submitter. Criteria: Ambry Variant Classification Scheme 2023. Collection method: clinical testing. Allele origin: germline. Not counted in ClinVar's aggregate classification.